The following is an entry in ClinVar:

NM_000179.3(MSH6):c.506A>G (p.Lys169Arg)

Gene: MSH6 (mutS homolog 6; plus strand). Cytogenetic location: 2p16.3.
Variant type: single nucleotide variant.
Coding change: c.506A>G on transcript NM_000179.3 (MANE Select); coding-DNA position 506, A replaced by G.
Protein change: p.Lys169Arg; replaces lysine 169 with arginine.
Molecular consequence: missense variant. On other transcripts: 5 prime UTR variant (5), non-coding transcript variant (5), intron variant (8).
Genome position (GRCh38, 1-based): chr2:47,795,942, A>G. VCF-style: chr2-47795942-A-G. GRCh37 (hg19) VCF-style: chr2-48023081-A-G.
Other names: c.-397A>G (NM_001281494.2); c.602A>G, p.Lys201Arg (NM_001406795.1, NM_001406802.1); c.506A>G, p.Lys169Arg (NM_001406796.1, NM_001406798.1, NM_001406800.1 and 5 more transcripts); c.209A>G, p.Lys70Arg (NM_001406797.1, NM_001406801.1, NM_001406805.1 and 10 more transcripts); c.-20A>G (NM_001406799.1, NM_001406806.1, NM_001406807.1); c.428A>G, p.Lys143Arg (NM_001406804.1); c.512A>G, p.Lys171Arg (NM_001406813.1); c.-489A>G (NM_001406814.1); and 3 more; short protein forms K143R, K171R, K70R, K169R, K201R, K113R.
Identifiers: ClinVar variation 3398907 (VCV003398907.1).

ClinVar aggregate classification (germline): Uncertain significance (1 of 4 stars; one submission).

Conditions:
Hereditary cancer-predisposing syndrome. Also called: Hereditary Cancer Syndrome; Tumor predisposition; Hereditary neoplastic syndrome; Neoplastic Syndromes, Hereditary. Identifiers: Orphanet 140162, MedGen C0027672, MeSH D009386, MONDO:0015356.

Submission:

Ambry Genetics
Classification: Uncertain significance for Hereditary cancer-predisposing syndrome. Last evaluated: 2024-09-01. Review status: criteria provided, single submitter. Criteria: Ambry Variant Classification Scheme 2023. Collection method: clinical testing. Allele origin: germline.
Comment: The p.K169R variant (also known as c.506A>G), located in coding exon 3 of the MSH6 gene, results from an A to G substitution at nucleotide position 506. The lysine at codon 169 is replaced by arginine, an amino acid with highly similar properties. This amino acid position is conserved. In addition, this alteration is predicted to be tolerated by in silico analysis. Based on the available evidence, the clinical significance of this variant remains unclear.